The following is an entry in ClinVar:

ClinVar aggregate classification (germline): Likely benign (1 of 4 stars; one submission).

gnomAD v4.1: 127 of 1,551,652 alleles (0.0082%); highest among the groups gnomAD compares: South Asian, 0.087%; 1 homozygote.

Submission:

CeGaT Center for Human Genetics Tuebingen
Classification: Likely benign. Last evaluated: 2025-06-01. Review status: criteria provided, single submitter. Criteria: CeGaT Center For Human Genetics Tuebingen Variant Classification Criteria Version 2. Collection method: clinical testing. Allele origin: germline. Affected: yes. Observed: 1 variant allele.
Comment: TEX38: BP4, BP7

NM_001145474.4(TEX38):c.270C>G (p.Thr90=)

Gene: TEX38 (testis expressed 38; plus strand). Cytogenetic location: 1p33.
Variant type: single nucleotide variant.
Coding change: c.270C>G on transcript NM_001145474.4 (MANE Select); coding-DNA position 270, C replaced by G.
Protein change: p.Thr90=; no amino-acid change (threonine 90 retained).
Molecular consequence: synonymous variant.
Genome position (GRCh38, 1-based): chr1:46,673,105, C>G. VCF-style: chr1-46673105-C-G. GRCh37 (hg19) VCF-style: chr1-47138777-C-G.
Other names: c.108C>G, p.Thr36= (NM_001300863.2); c.42C>G, p.Thr14= (NM_001300864.2).
Identifiers: ClinVar variation 3904959 (VCV003904959.10).